The following is an entry in ClinVar:

NM_016333.4(SRRM2):c.1393G>A (p.Gly465Ser)

Gene: SRRM2 (serine/arginine repetitive matrix 2; plus strand). Cytogenetic location: 16p13.3.
Variant type: single nucleotide variant.
Coding change: c.1393G>A on transcript NM_016333.4 (MANE Select); coding-DNA position 1393, G replaced by A.
Protein change: p.Gly465Ser; replaces glycine 465 with serine.
Molecular consequence: missense variant.
Genome position (GRCh38, 1-based): chr16:2,761,921, G>A. VCF-style: chr16-2761921-G-A. GRCh37 (hg19) VCF-style: chr16-2811922-G-A.
Other names: short protein forms G465S.
Identifiers: ClinVar variation 3375192 (VCV003375192.1).

ClinVar aggregate classification (germline): Uncertain significance (1 of 4 stars; one submission).

gnomAD v4.1: 1 of 1,613,608 alleles (0.000062%); highest among the groups gnomAD compares: Non-Finnish European, 0.000085%; no homozygotes.

Submission:

Women's Health and Genetics/Laboratory Corporation of America, LabCorp
Classification: Uncertain significance. Last evaluated: 2024-09-26. Review status: criteria provided, single submitter. Criteria: LabCorp Variant Classification Summary - May 2015. Collection method: clinical testing. Allele origin: germline.
Comment: Variant summary: SRRM2 c.1393G>A (p.Gly465Ser) results in a non-conservative amino acid change in the encoded protein sequence. Three of five in-silico tools predict a damaging effect of the variant on protein function. The variant allele was found at a frequency of 4e-06 in 251086 control chromosomes. The available data on variant occurrences in the general population are insufficient to allow any conclusion about variant significance. To our knowledge, no occurrence of c.1393G>A in individuals affected with Intellectual Developmental Disorder, Autosomal Dominant 72 and no experimental evidence demonstrating its impact on protein function have been reported. No submitters have cited clinical-significance assessments for this variant to ClinVar. Based on the evidence outlined above, the variant was classified as uncertain significance.